The following is an entry in ClinVar:

ClinVar aggregate classification (germline): Likely pathogenic (1 of 4 stars; one submission).

Conditions:
Chédiak-Higashi syndrome (CHS). Also called: Chediak-Higashi Syndrome. Identifiers: Orphanet 167, MedGen C0007965, MONDO:0008963, OMIM 214500.

Submission:

Labcorp Genetics (formerly Invitae), Labcorp
Classification: Likely pathogenic for Chédiak-Higashi syndrome. Last evaluated: 2024-02-29. Review status: criteria provided, single submitter. Criteria: Invitae Variant Classification Sherloc (09022015). Collection method: clinical testing. Allele origin: germline.
Comment: This sequence change affects a donor splice site in intron 46 of the LYST gene. It is expected to disrupt RNA splicing. Variants that disrupt the donor or acceptor splice site typically lead to a loss of protein function (PMID: 16199547), and loss-of-function variants in LYST are known to be pathogenic (PMID: 9215679, 11857544). This variant is not present in population databases (gnomAD no frequency). This variant has not been reported in the literature in individuals affected with LYST-related conditions. Algorithms developed to predict the effect of sequence changes on RNA splicing suggest that this variant may disrupt the consensus splice site. In summary, the currently available evidence indicates that the variant is pathogenic, but additional data are needed to prove that conclusively. Therefore, this variant has been classified as Likely Pathogenic.

Literature cited by the submitters: PubMed 16199547; PubMed 9215679; PubMed 11857544.

NM_000081.4(LYST):c.10564+1G>T

Gene: LYST (lysosomal trafficking regulator; minus strand). Cytogenetic location: 1q42.3.
Variant type: single nucleotide variant.
Coding change: c.10564+1G>T on transcript NM_000081.4 (MANE Select); the canonical splice donor site of the intron after coding-DNA position 10564, G replaced by T.
Molecular consequence: splice donor variant.
Genome position (GRCh38, 1-based): chr1:235,697,082, C>A on the plus strand (G>T on the coding strand, the complement: LYST is on the minus strand). VCF-style: chr1-235697082-C-A. GRCh37 (hg19) VCF-style: chr1-235860382-C-A.
Other names: c.10564+1G>T (NM_001301365.1).
Identifiers: ClinVar variation 3643729 (VCV003643729.2).
Genomic context (GRCh38, chr1:235,697,082, plus strand): 5'-AGAAATACTCAAATCTCACGAAAGATATATCCAGAATGATCTTCGTTACATTTTATTTTA[C>A]CTTGTTCCTTGCTATATGTCATCAGAAGACAGAAATTCCGTGACAAACCACAGATTGCTC-3'